The following is an entry in ClinVar:

NM_001082538.3(TCTN1):c.205A>G (p.Thr69Ala)

Gene: TCTN1 (tectonic family member 1; plus strand). Cytogenetic location: 12q24.11.
Variant type: single nucleotide variant.
Coding change: c.205A>G on transcript NM_001082538.3 (MANE Select); coding-DNA position 205, A replaced by G.
Protein change: p.Thr69Ala; replaces threonine 69 with alanine.
Molecular consequence: missense variant. On other transcripts: 5 prime UTR variant (4), non-coding transcript variant (1).
Genome position (GRCh38, 1-based): chr12:110,614,387, A>G. VCF-style: chr12-110614387-A-G. GRCh37 (hg19) VCF-style: chr12-111052192-A-G.
Other names: c.205A>G (NM_001082538.2); c.205A>G, p.Thr69Ala (NM_001082537.3, NM_001319680.2, NM_024549.6); c.-25A>G (NM_001173975.3, NM_001319682.3); c.-52A>G (NM_001173976.2); c.-503A>G (NM_001319681.2); short protein forms T69A.
Identifiers: ClinVar variation 2156940 (VCV002156940.3), dbSNP rs1357122575, ClinGen allele CA386700799.

ClinVar aggregate classification (germline): Uncertain significance. Review status: criteria provided, multiple submitters, no conflicts (2 of 4 stars). 2 submissions from 2 submitters: Uncertain significance (2). Last evaluated 2025-02-13.

Conditions:
Joubert syndrome. Also called: CEREBELLOPARENCHYMAL DISORDER IV; JOUBERT-BOLTSHAUSER SYNDROME; Familial aplasia of the vermis. Identifiers: Orphanet 475, MedGen C5979921, MONDO:0018772.
Meckel-Gruber syndrome. Also called: DYSENCEPHALIA SPLANCHNOCYSTICA; GRUBER SYNDROME; Dysencephalia splachnocystica. Identifiers: Orphanet 564, MedGen C0265215, MONDO:0018921.
Inborn genetic diseases. Identifiers: MedGen C0950123, MeSH D030342.

Allele frequency attached by ClinVar (database versions not stated): gnomAD exomes 0.00001; TOPMed 0.00001; gnomAD 0.00001.
gnomAD v4.1: 8 of 1,599,584 alleles (0.0005%); highest among the groups gnomAD compares: African/African-American, 0.0013%; no homozygotes.

Submissions (2):

Ambry Genetics
Classification: Uncertain significance for Inborn genetic diseases. Last evaluated: 2025-02-13. Review status: criteria provided, single submitter. Criteria: Ambry Variant Classification Scheme 2023. Collection method: clinical testing. Allele origin: germline.

Labcorp Genetics (formerly Invitae), Labcorp
Classification: Uncertain significance for Joubert syndrome; Meckel-Gruber syndrome. Last evaluated: 2023-07-17. Review status: criteria provided, single submitter. Criteria: Invitae Variant Classification Sherloc (09022015). Collection method: clinical testing. Allele origin: germline.
Comment: In summary, the available evidence is currently insufficient to determine the role of this variant in disease. Therefore, it has been classified as a Variant of Uncertain Significance. Advanced modeling of protein sequence and biophysical properties (such as structural, functional, and spatial information, amino acid conservation, physicochemical variation, residue mobility, and thermodynamic stability) performed at Invitae indicates that this missense variant is not expected to disrupt TCTN1 protein function. ClinVar contains an entry for this variant (Variation ID: 2156940). This variant has not been reported in the literature in individuals affected with TCTN1-related conditions. This sequence change replaces threonine, which is neutral and polar, with alanine, which is neutral and non-polar, at codon 69 of the TCTN1 protein (p.Thr69Ala). This variant is present in population databases (no rsID available, gnomAD 0.0009%).